The following is an entry in ClinVar:

ClinVar aggregate classification (germline): Uncertain significance (1 of 4 stars; one submission).

Allele frequency attached by ClinVar (database versions not stated): gnomAD 0.00002; ExAC 0.00004.
gnomAD v4.1: 42 of 1,611,076 alleles (0.0026%); highest among the groups gnomAD compares: Non-Finnish European, 0.0013%; no homozygotes.

Submission:

Labcorp Genetics (formerly Invitae), Labcorp
Classification: Uncertain significance. Last evaluated: 2025-01-01. Review status: criteria provided, single submitter. Criteria: Invitae Variant Classification Sherloc (09022015). Collection method: clinical testing. Allele origin: germline.
Comment: This sequence change replaces leucine, which is neutral and non-polar, with phenylalanine, which is neutral and non-polar, at codon 16 of the PCGF2 protein (p.Leu16Phe). This variant is present in population databases (rs757069949, gnomAD 0.06%), and has an allele count higher than expected for a pathogenic variant. This variant has not been reported in the literature in individuals affected with PCGF2-related conditions. ClinVar contains an entry for this variant (Variation ID: 1926370). Invitae Evidence Modeling of protein sequence and biophysical properties (such as structural, functional, and spatial information, amino acid conservation, physicochemical variation, residue mobility, and thermodynamic stability) has been performed for this missense variant. However, the output from this modeling did not meet the statistical confidence thresholds required to predict the impact of this variant on PCGF2 protein function. In summary, the available evidence is currently insufficient to determine the role of this variant in disease. Therefore, it has been classified as a Variant of Uncertain Significance.

NM_007144.3(PCGF2):c.46C>T (p.Leu16Phe)

Gene: PCGF2 (polycomb group ring finger 2; minus strand). Cytogenetic location: 17q12.
Variant type: single nucleotide variant.
Coding change: c.46C>T on transcript NM_007144.3 (MANE Select); coding-DNA position 46, C replaced by T.
Protein change: p.Leu16Phe; replaces leucine 16 with phenylalanine.
Molecular consequence: missense variant.
Genome position (GRCh38, 1-based): chr17:38,740,357, G>A on the plus strand (C>T on the coding strand, the complement: PCGF2 is on the minus strand). VCF-style: chr17-38740357-G-A. GRCh37 (hg19) VCF-style: chr17-36896610-G-A.
Other names: c.46C>T, p.Leu16Phe (NM_001369614.1, NM_001369615.1); short protein forms L16F.
Identifiers: ClinVar variation 1926370 (VCV001926370.5), dbSNP rs757069949, ClinGen allele CA8525176.